The following is an entry in ClinVar:

ClinVar aggregate classification (germline): Conflicting classifications of pathogenicity. Review status: criteria provided, conflicting classifications (1 of 4 stars). 7 submissions from 5 submitters: Uncertain significance (4); Likely benign (3). Last evaluated 2026-01-14.

Conditions:
MYO7A-related disorder. Also called: MYO7A-related disorders.
Usher syndrome type 1 (USH1). Also called: RETINITIS PIGMENTOSA AND CONGENITAL DEAFNESS. Identifiers: Orphanet 231169, Orphanet 886, MedGen C1568247, MONDO:0010168, OMIM 276900.
Autosomal recessive nonsyndromic hearing loss 2. Also called: DEAFNESS, AUTOSOMAL RECESSIVE 2; NEUROSENSORY NONSYNDROMIC RECESSIVE DEAFNESS 2. Identifiers: Orphanet 90636, MedGen C1838701, MONDO:0010807, OMIM 600060.
Autosomal dominant nonsyndromic hearing loss 11. Identifiers: Orphanet 90635, MedGen C1832475, MONDO:0011032, OMIM 601317.

Allele frequency attached by ClinVar (database versions not stated): gnomAD 0.00007 and 0.00008; TOPMed 0.00009; gnomAD exomes 0.00012; ExAC 0.00032.
gnomAD v4.1: 153 of 1,564,178 alleles (0.0098%); highest among the groups gnomAD compares: Middle Eastern, 0.017%; no homozygotes.

Submissions (7):

Labcorp Genetics (formerly Invitae), Labcorp
Classification: Likely benign. Last evaluated: 2026-01-14. Review status: criteria provided, single submitter. Criteria: Invitae Variant Classification Sherloc (09022015). Collection method: clinical testing. Allele origin: germline.

PreventionGenetics, part of Exact Sciences
Classification: Likely benign for MYO7A-related condition. Last evaluated: 2025-02-14. Review status: criteria provided, single submitter. Criteria: ACMG Guidelines, 2015. Collection method: clinical testing. Allele origin: germline.
Comment: This variant is classified as likely benign based on ACMG/AMP sequence variant interpretation guidelines (Richards et al. 2015 PMID: 25741868, with internal and published modifications).

Blueprint Genetics
Classification: Likely benign. Last evaluated: 2022-04-11. Review status: criteria provided, single submitter. Criteria: ACMG Guidelines, 2015. Collection method: clinical testing. Allele origin: germline.

Illumina Laboratory Services, Illumina
Classification: Uncertain significance for Usher syndrome type 1. Last evaluated: 2018-01-13. Review status: criteria provided, single submitter. Criteria: ICSL Variant Classification Criteria 13 December 2019. Collection method: clinical testing. Allele origin: germline.

Illumina Laboratory Services, Illumina
Classification: Uncertain significance for Autosomal dominant nonsyndromic hearing loss 11. Last evaluated: 2018-01-13. Review status: criteria provided, single submitter. Criteria: ICSL Variant Classification Criteria 13 December 2019. Collection method: clinical testing. Allele origin: germline.

Illumina Laboratory Services, Illumina
Classification: Uncertain significance for Autosomal recessive nonsyndromic hearing loss 2. Last evaluated: 2018-01-13. Review status: criteria provided, single submitter. Criteria: ICSL Variant Classification Criteria 13 December 2019. Collection method: clinical testing. Allele origin: germline.

Eurofins Ntd Llc (ga)
Classification: Uncertain significance. Last evaluated: 2016-10-20. Review status: criteria provided, single submitter. Criteria: EGL Classification Definitions 2015. Collection method: clinical testing. Allele origin: germline. Observed: 1 variant allele, 1 heterozygote.

NM_000260.4(MYO7A):c.5480+10G>A

Gene: MYO7A (myosin VIIA; plus strand). Cytogenetic location: 11q13.5.
Variant type: single nucleotide variant.
Coding change: c.5480+10G>A on transcript NM_000260.4 (MANE Select); 10 bases into the intron after coding-DNA position 5480, G replaced by A.
Molecular consequence: intron variant.
Genome position (GRCh38, 1-based): chr11:77,204,239, G>A. VCF-style: chr11-77204239-G-A. GRCh37 (hg19) VCF-style: chr11-76915284-G-A.
Other names: c.5333+10G>A (NM_001369365.1); c.5366+10G>A (NM_001127180.2).
Identifiers: ClinVar variation 497478 (VCV000497478.22), dbSNP rs768513428, ClinGen allele CA6198715.